The following is an entry in ClinVar:

NM_001297.5(CNGB1):c.1122-15C>T

Gene: CNGB1 (cyclic nucleotide gated channel subunit beta 1; minus strand). Cytogenetic location: 16q21.
Variant type: single nucleotide variant.
Coding change: c.1122-15C>T on transcript NM_001297.5 (MANE Select); 15 bases into the intron before coding-DNA position 1122, C replaced by T.
Molecular consequence: intron variant.
Genome position (GRCh38, 1-based): chr16:57,940,336, G>A on the plus strand (C>T on the coding strand, the complement: CNGB1 is on the minus strand). VCF-style: chr16-57940336-G-A. GRCh37 (hg19) VCF-style: chr16-57974240-G-A.
Other names: c.1104-15C>T (NM_001286130.2).
Identifiers: ClinVar variation 194492 (VCV000194492.25), dbSNP rs2303778, ClinGen allele CA201200.

ClinVar aggregate classification (germline): Benign/Likely benign. Review status: criteria provided, multiple submitters, no conflicts (2 of 4 stars). 9 submissions from 9 submitters: Benign (5); Likely benign (2). 2 of the submissions do not count toward it. Last evaluated 2026-02-04.

Conditions:
Retinitis pigmentosa (RP). Identifiers: Orphanet 791, MedGen C0035334, MeSH D012174, MONDO:0019200, OMIM 268000. Inheritance: Autosomal dominant, autosomal recessive and X linked inheritance.
Retinitis pigmentosa 45 (RP45). Identifiers: Orphanet 791, MedGen C3151066, MONDO:0013413, OMIM 613767.

Allele frequency attached by ClinVar (database versions not stated): 1000 Genomes Project 30x 0.39382; gnomAD 0.46316; gnomAD exomes 0.49480; ExAC 0.54304; 1000 Genomes Project 0.40076; TOPMed 0.42042; ESP Exome Variant Server 0.43873.
gnomAD v4.1: 814,443 of 1,565,052 alleles (52%); highest among the groups gnomAD compares: Non-Finnish European, 55%; 217,419 homozygotes.

Submissions (9):

Labcorp Genetics (formerly Invitae), Labcorp
Classification: Benign. Last evaluated: 2026-02-04. Review status: criteria provided, single submitter. Criteria: Invitae Variant Classification Sherloc (09022015). Collection method: clinical testing. Allele origin: germline.

Blueprint Genetics
Classification: Benign. Last evaluated: 2024-11-28. Review status: criteria provided, single submitter. Criteria: ACMG Guidelines, 2015. Collection method: clinical testing. Allele origin: germline.

Genome-Nilou Lab
Classification: Benign for Retinitis pigmentosa 45. Last evaluated: 2021-07-22. Review status: criteria provided, single submitter. Criteria: ACMG Guidelines, 2015. Collection method: clinical testing. Allele origin: germline. Affected: no.

Illumina Laboratory Services, Illumina
Classification: Benign for Retinitis pigmentosa. Last evaluated: 2018-01-12. Review status: criteria provided, single submitter. Criteria: ICSL Variant Classification Criteria 13 December 2019. Collection method: clinical testing. Allele origin: germline.
Comment: This variant was observed in the ICSL laboratory as part of a predisposition screen in an ostensibly healthy population. It had not been previously curated by ICSL or reported in the Human Gene Mutation Database (HGMD: prior to June 1st, 2018), and was therefore a candidate for classification through an automated scoring system. Utilizing variant allele frequency, disease prevalence and penetrance estimates, and inheritance mode, an automated score was calculated to assess if this variant is too frequent to cause the disease. Based on the score and internal cut-off values, a variant classified as benign is not then subjected to further curation. The score for this variant resulted in a classification of benign for this disease.

Clinical Genetics DNA and cytogenetics Diagnostics Lab, Erasmus MC, Erasmus Medical Center
Classification: Likely benign for Retinitis pigmentosa 45. Last evaluated: 2017-05-31. Review status: criteria provided, single submitter. Criteria: ACGS Guidelines, 2013. Collection method: clinical testing. Allele origin: germline. Affected: yes. Study: VKGL Data-share Consensus.

Eurofins Ntd Llc (ga)
Classification: Benign. Last evaluated: 2014-08-04. Review status: criteria provided, single submitter. Criteria: EGL Classification Definitions 2015. Collection method: clinical testing. Allele origin: germline. Observed: 1 variant allele, 1 homozygote.

Breakthrough Genomics
Classification: Likely benign. Review status: criteria provided, single submitter. Criteria: ACMG Guidelines, 2015. Collection method: not provided. Allele origin: germline. Inheritance: Autosomal recessive inheritance. Affected: yes.

Diagnostic Laboratory, Department of Genetics, University Medical Center Groningen
Classification: Benign for Retinitis pigmentosa 45. Review status: no assertion criteria provided. Collection method: clinical testing. Allele origin: germline. Affected: yes. Study: VKGL Data-share Consensus. Not counted in ClinVar's aggregate classification.

Joint Genome Diagnostic Labs from Nijmegen and Maastricht, Radboudumc and MUMC+
Classification: Benign. Review status: no assertion criteria provided. Collection method: clinical testing. Allele origin: germline. Affected: yes. Study: VKGL Data-share Consensus. Not counted in ClinVar's aggregate classification.